The following is an entry in ClinVar:

ClinVar aggregate classification (germline): Likely benign (1 of 4 stars; one submission).

Conditions:
Hereditary diffuse gastric adenocarcinoma (HDGC). Also called: DIFFUSE GASTRIC AND LOBULAR BREAST CANCER SYNDROME. Identifiers: Orphanet 26106, MedGen C1708349, MONDO:0007648, OMIM 137215.

gnomAD v4.1: 1 of 1,613,612 alleles (0.000062%); no homozygotes.

Submission:

Myriad Genetics, Inc.
Classification: Likely benign for Hereditary diffuse gastric adenocarcinoma. Last evaluated: 2024-09-23. Review status: criteria provided, single submitter. Criteria: Myriad Autosomal Dominant, Autosomal Recessive and X-Linked Classification Criteria (2023). Collection method: clinical testing. Allele origin: unknown.
Comment: This variant is considered likely benign. This variant is intronic and is not expected to impact mRNA splicing.

NM_004360.5(CDH1):c.2296-17A>C

Gene: CDH1 (cadherin 1; plus strand). Cytogenetic location: 16q22.1.
Variant type: single nucleotide variant.
Coding change: c.2296-17A>C on transcript NM_004360.5 (MANE Select); 17 bases into the intron before coding-DNA position 2296, A replaced by C.
Molecular consequence: intron variant.
Genome position (GRCh38, 1-based): chr16:68,829,637, A>C. VCF-style: chr16-68829637-A-C. GRCh37 (hg19) VCF-style: chr16-68863540-A-C.
Other names: c.748-17A>C (NM_001317185.2); c.331-17A>C (NM_001317186.2); c.2113-17A>C (NM_001317184.2).
Identifiers: ClinVar variation 3378833 (VCV003378833.1).
Genomic context (GRCh38, chr16:68,829,637, plus strand): 5'-ATAAACTGAACATAGCCCTGTGTGTATGACTATTTCTTTCCTACTCTTCATTGTACTTCA[A>C]CCTTTTTTCTCCAAAGGACTTTGACTTGAGCCAGCTGCACAGGGGCCTGGACGCTCGGCC-3'